The following is an entry in ClinVar:

NM_001048174.2(MUTYH):c.368G>C (p.Gly123Ala)

Gene: MUTYH (mutY DNA glycosylase; minus strand). Cytogenetic location: 1p34.1.
Variant type: single nucleotide variant.
Coding change: c.368G>C on transcript NM_001048174.2 (MANE Select); coding-DNA position 368, G replaced by C.
Protein change: p.Gly123Ala; replaces glycine 123 with alanine.
Molecular consequence: missense variant. On other transcripts: non-coding transcript variant (6), intron variant (3).
Genome position (GRCh38, 1-based): chr1:45,333,107, C>G on the plus strand (G>C on the coding strand, the complement: MUTYH is on the minus strand). VCF-style: chr1-45333107-C-G. GRCh37 (hg19) VCF-style: chr1-45798779-C-G.
Other names: c.368G>C, p.Gly123Ala (NM_001048171.2, NM_001048173.2, NM_001293195.2 and 6 more transcripts); c.371G>C, p.Gly124Ala (NM_001048172.2, NM_001407071.1, NM_001407078.1 and 2 more transcripts); c.452G>C, p.Gly151Ala (NM_001128425.2); c.413G>C, p.Gly138Ala (NM_001293190.2); c.401G>C, p.Gly134Ala (NM_001293191.2, NM_001407077.1); c.92G>C, p.Gly31Ala (NM_001293192.2, NM_001293196.2, NM_001407091.1); c.443G>C, p.Gly148Ala (NM_001407069.1, NM_012222.3); c.410G>C, p.Gly137Ala (NM_001407073.1, NM_001407083.1, NM_001407085.1); and 3 more; short protein forms G138A, G148A, G151A, G31A, G123A, G124A, G130A, G95A.
Identifiers: ClinVar variation 4113669 (VCV004113669.2).

ClinVar aggregate classification (germline): Uncertain significance. Review status: criteria provided, multiple submitters, no conflicts (2 of 4 stars). 2 submissions from 2 submitters: Uncertain significance (2). Last evaluated 2025-08-27.

Conditions:
Familial adenomatous polyposis 2. Also called: COLORECTAL ADENOMATOUS POLYPOSIS, AUTOSOMAL RECESSIVE; ADENOMAS, MULTIPLE COLORECTAL, AUTOSOMAL RECESSIVE; MYH-associated polyposis; MUTYH-associated polyposis; MUTYH-related attenuated familial adenomatous polyposis; FAP type 2. Identifiers: Orphanet 220460, Orphanet 247798, MedGen C3272841, MONDO:0012041, OMIM 608456.
Hereditary cancer-predisposing syndrome. Also called: Tumor predisposition; Neoplastic Syndromes, Hereditary; Hereditary Cancer Syndrome; Hereditary neoplastic syndrome. Identifiers: Orphanet 140162, MedGen C0027672, MeSH D009386, MONDO:0015356.

Submissions (2):

Ambry Genetics
Classification: Uncertain significance for Hereditary cancer-predisposing syndrome. Last evaluated: 2025-08-27. Review status: criteria provided, single submitter. Criteria: Ambry Variant Classification Scheme 2023. Collection method: clinical testing. Allele origin: germline.
Comment: The p.G151A variant (also known as c.452G>C), located in coding exon 5 of the MUTYH gene, results from a G to C substitution at nucleotide position 452. The glycine at codon 151 is replaced by alanine, an amino acid with similar properties. This amino acid position is conserved. In addition, this alteration is predicted to be tolerated by in silico analysis. Based on the available evidence, the clinical significance of this variant remains unclear.

Labcorp Genetics (formerly Invitae), Labcorp
Classification: Uncertain significance for Familial adenomatous polyposis 2. Last evaluated: 2025-03-27. Review status: criteria provided, single submitter. Criteria: Invitae Variant Classification Sherloc (09022015). Collection method: clinical testing. Allele origin: germline.
Comment: This sequence change replaces glycine, which is neutral and non-polar, with alanine, which is neutral and non-polar, at codon 151 of the MUTYH protein (p.Gly151Ala). This variant is not present in population databases (gnomAD no frequency). This variant has not been reported in the literature in individuals affected with MUTYH-related conditions. An algorithm developed to predict the effect of missense changes on protein structure and function (PolyPhen-2) suggests that this variant is likely to be tolerated. In summary, the available evidence is currently insufficient to determine the role of this variant in disease. Therefore, it has been classified as a Variant of Uncertain Significance.